The following is an entry in ClinVar:

NM_004287.5(GOSR2):c.618_623delinsACCTAGGGGAAACAAGATGTAGTGCTATTGCCGATAACAAGTAAGATTTTCCACACTACAGCTGGGTGTTTCTCTTTTCTAAAGTGAGGCCAGTGTTATTTCCCGGGAGTGTTCAGTCTTGACCCTAGTCACTGATTTTTTCTAGTTGTTAATAGAGTGGTTGGCTTTTAAGGTTCAGAGACTGTGGCTTGGCACCTGCGCCCAGGCTTTGTGGGCCTTTGCCCCTTAGAAAGTAGCTGTAGGCAAAGATTTGTGATTTTCCAACTTTGAG (p.Val207_Val208delinsProArgGlyAsnLysMetTer)

Genes: GOSR2 (golgi SNAP receptor complex member 2; plus strand), LRRC37A2 (leucine rich repeat containing 37 member A2). Cytogenetic location: 17q21.32.
Variant type: Indel.
Coding change: c.618_623delinsACCTAGGGGAAACAAGATGTAGTGCTATTGCCGATAACAAGTAAGATTTTCCACACTACAGCTGGGTGTTTCTCTTTTCTAAAGTGAGGCCAGTGTTATTTCCCGGGAGTGTTCAGTCTTGACCCTAGTCACTGATTTTTTCTAGTTGTTAATAGAGTGGTTGGCTTTTAAGGTTCAGAGACTGTGGCTTGGCACCTGCGCCCAGGCTTTGTGGGCCTTTGCCCCTTAGAAAGTAGCTGTAGGCAAAGATTTGTGATTTTCCAACTTTGAG on transcript NM_004287.5 (MANE Select); coding-DNA positions 618 to 623, the reference bases replaced by an inserted sequence.
Protein change: p.Val207_Val208delinsProArgGlyAsnLysMetTer.
Molecular consequence: nonsense. On other transcripts: intron variant (3).
Genome position (GRCh38, 1-based): chr17:46,938,739-46,938,744, 6 bases replaced. GRCh37 (hg19): chr17:45,016,105-45,016,110.
Other names: c.474_479delinsACCTAGGGGAAACAAGATGTAGTGCTATTGCCGATAACAAGTAAGATTTTCCACACTACAGCTGGGTGTTTCTCTTTTCTAAAGTGAGGCCAGTGTTATTTCCCGGGAGTGTTCAGTCTTGACCCTAGTCACTGATTTTTTCTAGTTGTTAATAGAGTGGTTGGCTTTTAAGGTTCAGAGACTGTGGCTTGGCACCTGCGCCCAGGCTTTGTGGGCCTTTGCCCCTTAGAAAGTAGCTGTAGGCAAAGATTTGTGATTTTCCAACTTTGAG, p.Val159_Val160delinsProArgGlyAsnLysMetTer (NM_001353115.2); c.564_569delinsACCTAGGGGAAACAAGATGTAGTGCTATTGCCGATAACAAGTAAGATTTTCCACACTACAGCTGGGTGTTTCTCTTTTCTAAAGTGAGGCCAGTGTTATTTCCCGGGAGTGTTCAGTCTTGACCCTAGTCACTGATTTTTTCTAGTTGTTAATAGAGTGGTTGGCTTTTAAGGTTCAGAGACTGTGGCTTGGCACCTGCGCCCAGGCTTTGTGGGCCTTTGCCCCTTAGAAAGTAGCTGTAGGCAAAGATTTGTGATTTTCCAACTTTGAG, p.Val189_Val190delinsProArgGlyAsnLysMetTer (NM_001363851.2); c.583+35_583+40delinsACCTAGGGGAAACAAGATGTAGTGCTATTGCCGATAACAAGTAAGATTTTCCACACTACAGCTGGGTGTTTCTCTTTTCTAAAGTGAGGCCAGTGTTATTTCCCGGGAGTGTTCAGTCTTGACCCTAGTCACTGATTTTTTCTAGTTGTTAATAGAGTGGTTGGCTTTTAAGGTTCAGAGACTGTGGCTTGGCACCTGCGCCCAGGCTTTGTGGGCCTTTGCCCCTTAGAAAGTAGCTGTAGGCAAAGATTTGTGATTTTCCAACTTTGAG (NM_001321133.2, NM_054022.4); c.439+35_439+40delinsACCTAGGGGAAACAAGATGTAGTGCTATTGCCGATAACAAGTAAGATTTTCCACACTACAGCTGGGTGTTTCTCTTTTCTAAAGTGAGGCCAGTGTTATTTCCCGGGAGTGTTCAGTCTTGACCCTAGTCACTGATTTTTTCTAGTTGTTAATAGAGTGGTTGGCTTTTAAGGTTCAGAGACTGTGGCTTGGCACCTGCGCCCAGGCTTTGTGGGCCTTTGCCCCTTAGAAAGTAGCTGTAGGCAAAGATTTGTGATTTTCCAACTTTGAG (NM_001353116.2); c.423_428delinsACCTAGGGGAAACAAGATGTAGTGCTATTGCCGATAACAAGTAAGATTTTCCACACTACAGCTGGGTGTTTCTCTTTTCTAAAGTGAGGCCAGTGTTATTTCCCGGGAGTGTTCAGTCTTGACCCTAGTCACTGATTTTTTCTAGTTGTTAATAGAGTGGTTGGCTTTTAAGGTTCAGAGACTGTGGCTTGGCACCTGCGCCCAGGCTTTGTGGGCCTTTGCCCCTTAGAAAGTAGCTGTAGGCAAAGATTTGTGATTTTCCAACTTTGAG, p.Val142_Val143delinsProArgGlyAsnLysMetTer (NM_001321134.2); c.477_482delinsACCTAGGGGAAACAAGATGTAGTGCTATTGCCGATAACAAGTAAGATTTTCCACACTACAGCTGGGTGTTTCTCTTTTCTAAAGTGAGGCCAGTGTTATTTCCCGGGAGTGTTCAGTCTTGACCCTAGTCACTGATTTTTTCTAGTTGTTAATAGAGTGGTTGGCTTTTAAGGTTCAGAGACTGTGGCTTGGCACCTGCGCCCAGGCTTTGTGGGCCTTTGCCCCTTAGAAAGTAGCTGTAGGCAAAGATTTGTGATTTTCCAACTTTGAG, p.Val160_Val161delinsProArgGlyAsnLysMetTer (NM_001330252.2); c.615_620delinsACCTAGGGGAAACAAGATGTAGTGCTATTGCCGATAACAAGTAAGATTTTCCACACTACAGCTGGGTGTTTCTCTTTTCTAAAGTGAGGCCAGTGTTATTTCCCGGGAGTGTTCAGTCTTGACCCTAGTCACTGATTTTTTCTAGTTGTTAATAGAGTGGTTGGCTTTTAAGGTTCAGAGACTGTGGCTTGGCACCTGCGCCCAGGCTTTGTGGGCCTTTGCCCCTTAGAAAGTAGCTGTAGGCAAAGATTTGTGATTTTCCAACTTTGAG, p.Val206_Val207delinsProArgGlyAsnLysMetTer (NM_001353114.2).
Identifiers: ClinVar variation 2429521 (VCV002429521.1), dbSNP rs2546346657, ClinGen allele CA2580094132.

ClinVar aggregate classification (germline): Uncertain significance (1 of 4 stars; one submission).

Submission:

GeneDx
Classification: Uncertain significance. Last evaluated: 2022-08-11. Review status: criteria provided, single submitter. Criteria: GeneDx Variant Classification Process June 2021. Collection method: clinical testing. Allele origin: germline. Affected: yes.
Comment: Not observed at significant frequency in large population cohorts (gnomAD); Frameshift variant predicted to result in protein truncation as the last 6 amino acids are replaced with 6 different amino acids, although loss-of-function variants have not been reported downstream of this position in the protein; In silico analysis supports a deleterious effect on protein structure/function; Has not been previously published as pathogenic or benign to our knowledge